The following is an entry in ClinVar:

ClinVar aggregate classification (germline): Uncertain significance (1 of 4 stars; one submission).

gnomAD v4.1: 11 of 1,613,832 alleles (0.00068%); highest among the groups gnomAD compares: Non-Finnish European, 0.00093%; no homozygotes.

Submission:

Women's Health and Genetics/Laboratory Corporation of America, LabCorp
Classification: Uncertain significance. Last evaluated: 2025-05-28. Review status: criteria provided, single submitter. Criteria: LabCorp Variant Classification Summary - May 2015. Collection method: clinical testing. Allele origin: germline.
Comment: Variant summary: HRAS c.326T>C (p.Val109Ala) results in a non-conservative amino acid change in the encoded protein sequence. Algorithms developed to predict the effect of missense changes on protein structure and function are either unavailable or do not agree on the potential impact of this missense change. The variant was absent in 251374 control chromosomes. The available data on variant occurrences in the general population are insufficient to allow any conclusion about variant significance. c.326T>C has been observed in an individual affected with a complex immune phenotype (Similuk_2022). These report(s) do not provide unequivocal conclusions about association of the variant with Costello Syndrome. To our knowledge, no experimental evidence demonstrating an impact on protein function has been reported. The following publication has been ascertained in the context of this evaluation (PMID: 35753512). No submitters have cited clinical-significance assessments for this variant to ClinVar. Based on the evidence outlined above, the variant was classified as uncertain significance.

Literature cited by the submitters: PubMed 35753512.

NM_005343.4(HRAS):c.326T>C (p.Val109Ala)

Genes: HRAS (HRas proto-oncogene, GTPase; minus strand), LRRC56 (leucine rich repeat containing 56; plus strand). Cytogenetic location: 11p15.5.
Variant type: single nucleotide variant.
Coding change: c.326T>C on transcript NM_005343.4 (MANE Select); coding-DNA position 326, T replaced by C.
Protein change: p.Val109Ala; replaces valine 109 with alanine.
Molecular consequence: missense variant.
Genome position (GRCh38, 1-based): chr11:533,577, A>G on the plus strand (T>C on the coding strand, the complement: HRAS is on the minus strand). VCF-style: chr11-533577-A-G. GRCh37 (hg19) VCF-style: chr11-533577-A-G.
Other names: c.326T>C, p.Val109Ala (NM_001130442.3, NM_176795.5); c.7T>C, p.Cys3Arg (NM_001318054.2); short protein forms C3R, V109A.
Identifiers: ClinVar variation 3902644 (VCV003902644.1).